The following is an entry in ClinVar:

NM_015629.4(PRPF31):c.417C>A (p.Val139=)

Genes: PRPF31 (pre-mRNA processing factor 31; plus strand), PRPF31-AS1 (PRPF31 antisense RNA 1; minus strand). Cytogenetic location: 19q13.42.
Variant type: single nucleotide variant.
Coding change: c.417C>A on transcript NM_015629.4 (MANE Select); coding-DNA position 417, C replaced by A.
Protein change: p.Val139=; no amino-acid change (valine 139 retained).
Molecular consequence: synonymous variant.
Genome position (GRCh38, 1-based): chr19:54,122,591, C>A. VCF-style: chr19-54122591-C-A. GRCh37 (hg19) VCF-style: chr19-54625970-C-A.
Other names: c.417C>A (NM_015629.3).
Identifiers: ClinVar variation 1387252 (VCV001387252.10), dbSNP rs1253042816, ClinGen allele CA883534847.

ClinVar aggregate classification (germline): Uncertain significance. Review status: criteria provided, multiple submitters, no conflicts (2 of 4 stars). 3 submissions from 3 submitters: Uncertain significance (3). Last evaluated 2025-10-01.

Conditions:
PRPF31-related disorder. Also called: PRPF31-related condition.

Allele frequency attached by ClinVar (database versions not stated): gnomAD exomes 0.00001 and 0.00002; TOPMed 0.00001.
gnomAD v4.1: 5 of 1,613,556 alleles (0.00031%); highest among the groups gnomAD compares: Admixed American, 0.0083%; no homozygotes.

Submissions (3):

PreventionGenetics, part of Exact Sciences
Classification: Uncertain significance for PRPF31-related condition. Last evaluated: 2025-10-01. Review status: criteria provided, single submitter. Criteria: ACMG Guidelines, 2015. Collection method: clinical testing. Allele origin: germline.
Comment: The PRPF31 c.417C>A variant is not predicted to result in an amino acid change (p.=). This variant is predicted to impact splicing based on available splicing prediction programs (SpliceAI, Jaganathan et al. 2019. PubMed ID: 30661751). This variant was reported in an individual with retinitis pigmentosa (Bravo-Gil et al. 2017. PubMed ID: 28157192). This variant is reported in 0.0087% of alleles in individuals of Latino descent in gnomAD. Although we suspect that this variant may be pathogenic, at this time, the clinical significance of this variant is uncertain due to the absence of conclusive functional and genetic evidence.

Blueprint Genetics
Classification: Uncertain significance. Last evaluated: 2022-01-31. Review status: criteria provided, single submitter. Criteria: ACMG Guidelines, 2015. Collection method: clinical testing. Allele origin: germline.

Labcorp Genetics (formerly Invitae), Labcorp
Classification: Uncertain significance. Last evaluated: 2021-06-13. Review status: criteria provided, single submitter. Criteria: Invitae Variant Classification Sherloc (09022015). Collection method: clinical testing. Allele origin: germline.
Comment: This variant has been observed in individual(s) with retinitis pigmentosa (PMID: 28157192). This variant is not present in population databases (ExAC no frequency). This sequence change affects codon 139 of the PRPF31 mRNA. It is a 'silent' change, meaning that it does not change the encoded amino acid sequence of the PRPF31 protein. Algorithms developed to predict the effect of sequence changes on RNA splicing suggest that this variant is not likely to affect RNA splicing, but this prediction has not been confirmed by published transcriptional studies. In summary, the available evidence is currently insufficient to determine the role of this variant in disease. Therefore, it has been classified as a Variant of Uncertain Significance.

Literature cited by the submitters: PubMed 28157192 (cited by Labcorp Genetics (formerly Invitae), Labcorp).